The following is an entry in ClinVar:

ClinVar aggregate classification (germline): Benign/Likely benign. Review status: criteria provided, multiple submitters, no conflicts (2 of 4 stars). 5 submissions from 5 submitters: Benign (1); Likely benign (4). Last evaluated 2025-12-03.

Conditions:
Hereditary cancer-predisposing syndrome. Also called: Neoplastic Syndromes, Hereditary; Tumor predisposition; Hereditary Cancer Syndrome; Hereditary neoplastic syndrome. Identifiers: Orphanet 140162, MedGen C0027672, MeSH D009386, MONDO:0015356.
Familial cancer of breast. Also called: BREAST CANCER, FAMILIAL; hereditary breast carcinoma; Hereditary breast cancer. Identifiers: Orphanet 227535, MedGen C0346153, MONDO:0016419, OMIM 114480. Disease mechanism: loss of function.

Allele frequency attached by ClinVar (database versions not stated): TOPMed 0.00001; ExAC 0.00002; gnomAD 0.00002; gnomAD exomes 0.00002 and 0.00003; 1000 Genomes Project 30x 0.00031; 1000 Genomes Project 0.00040.
gnomAD v4.1: 20 of 1,613,848 alleles (0.0012%); highest among the groups gnomAD compares: East Asian, 0.042%; no homozygotes.

Submissions (5):

Labcorp Genetics (formerly Invitae), Labcorp
Classification: Likely benign for Familial cancer of breast. Last evaluated: 2025-12-03. Review status: criteria provided, single submitter. Criteria: Invitae Variant Classification Sherloc (09022015). Collection method: clinical testing. Allele origin: germline.

Myriad Genetics, Inc.
Classification: Benign for Familial cancer of breast. Last evaluated: 2024-10-07. Review status: criteria provided, single submitter. Criteria: Myriad Autosomal Dominant, Autosomal Recessive and X-Linked Classification Criteria (2023). Collection method: clinical testing. Allele origin: unknown.
Comment: This variant is considered benign. This variant is a silent/synonymous amino acid change and it is not expected to impact splicing.

Women's Health and Genetics/Laboratory Corporation of America, LabCorp
Classification: Likely benign. Last evaluated: 2019-10-23. Review status: criteria provided, single submitter. Criteria: LabCorp Variant Classification Summary - May 2015. Collection method: clinical testing. Allele origin: germline.

Color Diagnostics, LLC DBA Color Health
Classification: Likely benign for Hereditary cancer-predisposing syndrome. Last evaluated: 2018-03-23. Review status: criteria provided, single submitter. Criteria: ACMG Guidelines, 2015. Collection method: clinical testing. Allele origin: germline.

Ambry Genetics
Classification: Likely benign for Hereditary cancer-predisposing syndrome. Last evaluated: 2016-03-25. Review status: criteria provided, single submitter. Criteria: Ambry Variant Classification Scheme 2023. Collection method: clinical testing. Allele origin: germline.

NM_007194.4(CHEK2):c.1203T>C (p.Thr401=)

Gene: CHEK2 (checkpoint kinase 2; minus strand). Cytogenetic location: 22q12.1.
Variant type: single nucleotide variant.
Coding change: c.1203T>C on transcript NM_007194.4 (MANE Select); coding-DNA position 1203, T replaced by C.
Protein change: p.Thr401=; no amino-acid change (threonine 401 retained).
Molecular consequence: synonymous variant.
Genome position (GRCh38, 1-based): chr22:28,695,766, A>G on the plus strand (T>C on the coding strand, the complement: CHEK2 is on the minus strand). VCF-style: chr22-28695766-A-G. GRCh37 (hg19) VCF-style: chr22-29091754-A-G.
Other names: c.1332T>C, p.Thr444= (NM_001005735.3); c.540T>C, p.Thr180= (NM_001257387.3); c.1002T>C, p.Thr334= (NM_001349956.3); c.1116T>C, p.Thr372= (NM_145862.3).
Identifiers: ClinVar variation 233596 (VCV000233596.21), dbSNP rs560781587, ClinGen allele CA10167711.